The following is an entry in ClinVar:

NM_005732.4(RAD50):c.1154G>T (p.Arg385Leu)

Gene: RAD50 (RAD50 double strand break repair protein; plus strand). Cytogenetic location: 5q31.1.
Variant type: single nucleotide variant.
Coding change: c.1154G>T on transcript NM_005732.4 (MANE Select); coding-DNA position 1154, G replaced by T.
Protein change: p.Arg385Leu; replaces arginine 385 with leucine.
Molecular consequence: missense variant.
Genome position (GRCh38, 1-based): chr5:132,588,789, G>T. VCF-style: chr5-132588789-G-T. GRCh37 (hg19) VCF-style: chr5-131924481-G-T.
Other names: short protein forms R385L.
Identifiers: ClinVar variation 1514989 (VCV001514989.6), dbSNP rs150030986, ClinGen allele CA360942714.

ClinVar aggregate classification (germline): Uncertain significance (1 of 4 stars; one submission).

Conditions:
Hereditary cancer-predisposing syndrome. Also called: Tumor predisposition; Neoplastic Syndromes, Hereditary; Hereditary neoplastic syndrome; Hereditary Cancer Syndrome. Identifiers: Orphanet 140162, MedGen C0027672, MeSH D009386, MONDO:0015356.

Submission:

Labcorp Genetics (formerly Invitae), Labcorp
Classification: Uncertain significance for Hereditary cancer-predisposing syndrome. Last evaluated: 2021-08-24. Review status: criteria provided, single submitter. Criteria: Invitae Variant Classification Sherloc (09022015). Collection method: clinical testing. Allele origin: germline.
Comment: This variant is not present in population databases (ExAC no frequency). This sequence change replaces arginine with leucine at codon 385 of the RAD50 protein (p.Arg385Leu). The arginine residue is moderately conserved and there is a moderate physicochemical difference between arginine and leucine. This variant has not been reported in the literature in individuals affected with RAD50-related conditions. In summary, the available evidence is currently insufficient to determine the role of this variant in disease. Therefore, it has been classified as a Variant of Uncertain Significance. Algorithms developed to predict the effect of missense changes on protein structure and function output the following: SIFT: "Tolerated"; PolyPhen-2: "Benign"; Align-GVGD: "Class C0". The leucine amino acid residue is found in multiple mammalian species, which suggests that this missense change does not adversely affect protein function.